The following is an entry in ClinVar:

NM_001128178.3(NPHP1):c.771+172A>C

Gene: NPHP1 (nephrocystin 1; minus strand). Cytogenetic location: 2q13.
Variant type: single nucleotide variant.
Coding change: c.771+172A>C on transcript NM_001128178.3 (MANE Select); 172 bases into the intron after coding-DNA position 771, A replaced by C.
Molecular consequence: intron variant.
Genome position (GRCh38, 1-based): chr2:110,164,516, T>G on the plus strand (A>C on the coding strand, the complement: NPHP1 is on the minus strand). VCF-style: chr2-110164516-T-G. GRCh37 (hg19) VCF-style: chr2-110922093-T-G.
Other names: c.939+4A>C (NM_000272.3, NM_207181.4, NM_000272.5); c.585+172A>C (NM_001128179.3); c.771+172A>C (NM_001374256.1, NM_001374257.1).
Identifiers: ClinVar variation 1898811 (VCV001898811.4), dbSNP rs750772478, ClinGen allele CA1827252.
Genomic context (GRCh38, chr2:110,164,516, plus strand): 5'-GTGACACCATGAATTATCTATTCTTTTTGTACAAAAAAAAAAAAAAACTAATGAGAAATG[T>G]TACTTGGAGCACAGGCTTAGAAACCAGAAATATACGTCCTCTGCTCTGTACATTCCATGC-3'

ClinVar aggregate classification (germline): Conflicting classifications of pathogenicity. Review status: criteria provided, conflicting classifications (1 of 4 stars). 3 submissions from 3 submitters: Uncertain significance (1); Likely benign (2). Last evaluated 2025-05-16.

Conditions:
NPHP1-related disorder. Also called: NPHP1-related disorders; NPHP1-related condition.
Nephronophthisis. Also called: Juvenile Nephronophthisis. Identifiers: Orphanet 655, MedGen C0687120, MONDO:0019005, HP:0000090.

Allele frequency attached by ClinVar (database versions not stated): gnomAD 0.00001; ExAC 0.00002; TOPMed 0.00002.
gnomAD v4.1: 7 of 1,375,526 alleles (0.00051%); highest among the groups gnomAD compares: Admixed American, 0.012%; no homozygotes.

Submissions (3):

PreventionGenetics, part of Exact Sciences
Classification: Likely benign for NPHP1-related condition. Last evaluated: 2025-05-16. Review status: criteria provided, single submitter. Criteria: ACMG Guidelines, 2015. Collection method: clinical testing. Allele origin: germline.
Comment: This variant is classified as likely benign based on ACMG/AMP sequence variant interpretation guidelines (Richards et al. 2015 PMID: 25741868, with internal and published modifications).

Labcorp Genetics (formerly Invitae), Labcorp
Classification: Uncertain significance for Nephronophthisis. Last evaluated: 2022-05-17. Review status: criteria provided, single submitter. Criteria: Invitae Variant Classification Sherloc (09022015). Collection method: clinical testing. Allele origin: germline.
Comment: This sequence change falls in intron 8 of the NPHP1 gene. It does not directly change the encoded amino acid sequence of the NPHP1 protein. It affects a nucleotide within the consensus splice site. This variant is present in population databases (rs750772478, gnomAD 0.02%). This variant has not been reported in the literature in individuals affected with NPHP1-related conditions. Variants that disrupt the consensus splice site are a relatively common cause of aberrant splicing (PMID: 17576681, 9536098). Algorithms developed to predict the effect of sequence changes on RNA splicing suggest that this variant is not likely to affect RNA splicing. In summary, the available evidence is currently insufficient to determine the role of this variant in disease. Therefore, it has been classified as a Variant of Uncertain Significance.

Blueprint Genetics
Classification: Likely benign. Last evaluated: 2022-03-28. Review status: criteria provided, single submitter. Criteria: ACMG Guidelines, 2015. Collection method: clinical testing. Allele origin: germline.

Literature cited by the submitters: PubMed 17576681 (cited by Labcorp Genetics (formerly Invitae), Labcorp); PubMed 9536098 (cited by Labcorp Genetics (formerly Invitae), Labcorp).